The following is an entry in ClinVar:

ClinVar aggregate classification (germline): Uncertain significance (1 of 4 stars; one submission).

Conditions:
Atypical hemolytic-uremic syndrome. Identifiers: Orphanet 2134, MedGen C2931788, MONDO:0016244.
Basal laminar drusen. Also called: DRUSEN OF BRUCH MEMBRANE; DRUSEN, CUTICULAR; DRUSEN, EARLY ADULT-ONSET, GROUPED. Identifiers: Orphanet 75376, MedGen C0730295, MONDO:0007472, OMIM 126700.
Factor H deficiency (CFHD). Also called: COMPLEMENT FACTOR H DEFICIENCY; CFH DEFICIENCY. Identifiers: Orphanet 200421, MedGen C0398777, MONDO:0012350, OMIM 609814.
Age related macular degeneration 4. Identifiers: MedGen C1853147, MONDO:0012540, OMIM 610698.

Submission:

Genomenon, Inc
Classification: Uncertain significance for Basal laminar drusen; Age related macular degeneration 4; Atypical hemolytic-uremic syndrome; Factor H deficiency. Last evaluated: 2025-10-02. Review status: criteria provided, single submitter. Criteria: Genomenon Sequence Variant Interpretation Standards - Updated. Collection method: curation. Allele origin: germline. Affected: no.
Comment: CFH p.Asp214Ala (c.641A>C) is a missense variant that changes the amino acid at residue 214 from Aspartic acid to Alanine. This variant has been reported in the published literature (PMID:21683447). It is absent or not present at a significant frequency in gnomAD. In silico models agree that this variant is not damaging. In conclusion, we classify CFH p.Asp214Ala (c.641A>C) as a variant of uncertain significance.

Literature cited by the submitters: PubMed 21683447.

NM_000186.4(CFH):c.641A>C (p.Asp214Ala)

Gene: CFH (complement factor H; plus strand). Cytogenetic location: 1q31.3.
Variant type: single nucleotide variant.
Coding change: c.641A>C on transcript NM_000186.4 (MANE Select); coding-DNA position 641, A replaced by C.
Protein change: p.Asp214Ala; replaces aspartic acid 214 with alanine.
Molecular consequence: missense variant.
Genome position (GRCh38, 1-based): chr1:196,679,644, A>C. VCF-style: chr1-196679644-A-C. GRCh37 (hg19) VCF-style: chr1-196648774-A-C.
Other names: c.641A>C, p.Asp214Ala (NM_001014975.3); short protein forms D214A.
Identifiers: ClinVar variation 4291312 (VCV004291312.1).
Genomic context (GRCh38, chr1:196,679,644, plus strand): 5'-TTGCAATAAACATTTTGGAATTTAATCCCTTTTATTTAGAAATTTCATGCAAATCCCCAG[A>C]TGTTATAAATGGATCTCCTATATCTCAGAAGATTATTTATAAGGAGAATGAACGATTTCA-3'
Protein context (NP_000177.2, residues 204-224): KCVEISCKSP[Asp214Ala]VINGSPISQK